The following is an entry in ClinVar:

ClinVar aggregate classification (germline): Benign/Likely benign. Review status: criteria provided, multiple submitters, no conflicts (2 of 4 stars). 8 submissions from 8 submitters: Benign (4); Likely benign (3). 1 of the submissions does not count toward it. Last evaluated 2026-02-03.

Conditions:
DOCK7-related disorder. Also called: DOCK7-related condition.
Developmental and epileptic encephalopathy, 23 (DEE23). Also called: Epileptic encephalopathy, early infantile, 23. Identifiers: Orphanet 411986, MedGen C4014492, MONDO:0014371, OMIM 615859.

Allele frequency attached by ClinVar (database versions not stated): gnomAD exomes 0.00463 and 0.00322; ESP Exome Variant Server 0.01269; 1000 Genomes Project 30x 0.00874; gnomAD 0.01039 and 0.01118; TOPMed 0.01089; ExAC 0.00577; 1000 Genomes Project 0.00819.
gnomAD v4.1: 6,243 of 1,613,714 alleles (0.39%); highest among the groups gnomAD compares: African/African-American, 2.9%; 60 homozygotes.

Submissions (8):

Labcorp Genetics (formerly Invitae), Labcorp
Classification: Benign for Developmental and epileptic encephalopathy, 23. Last evaluated: 2026-02-03. Review status: criteria provided, single submitter. Criteria: Invitae Variant Classification Sherloc (09022015). Collection method: clinical testing. Allele origin: germline.

Athena Diagnostics
Classification: Benign. Last evaluated: 2024-10-31. Review status: criteria provided, single submitter. Criteria: Athena Diagnostics Criteria. Collection method: clinical testing. Allele origin: unknown.

Genome-Nilou Lab
Classification: Likely benign for Developmental and epileptic encephalopathy, 23. Last evaluated: 2023-04-11. Review status: criteria provided, single submitter. Criteria: ACMG Guidelines, 2015. Collection method: clinical testing. Allele origin: germline. Affected: no.

GeneDx
Classification: Likely benign. Last evaluated: 2023-04-08. Review status: criteria provided, single submitter. Criteria: GeneDx Variant Classification Process June 2021. Collection method: clinical testing. Allele origin: germline. Affected: yes.
Comment: See Variant Classification Assertion Criteria.

Center for Pediatric Genomic Medicine, Children's Mercy Hospital and Clinics
Classification: Benign. Last evaluated: 2015-12-21. Review status: criteria provided, single submitter. Criteria: ACMG Guidelines, 2015. Collection method: clinical testing. Allele origin: germline.

Genomic Diagnostic Laboratory, Division of Genomic Diagnostics, Children's Hospital of Philadelphia
Classification: Benign. Last evaluated: 2015-04-14. Review status: criteria provided, single submitter. Criteria: DGD Variant Analysis Guidelines. Collection method: clinical testing. Allele origin: unknown.

Breakthrough Genomics
Classification: Likely benign. Review status: criteria provided, single submitter. Criteria: ACMG Guidelines, 2015. Collection method: not provided. Allele origin: germline. Inheritance: Autosomal recessive inheritance. Affected: yes.

PreventionGenetics, part of Exact Sciences
Classification: Benign for DOCK7-related condition. Last evaluated: 2019-04-17. Review status: no assertion criteria provided. Collection method: clinical testing. Allele origin: germline. Not counted in ClinVar's aggregate classification.
Comment: This variant is classified as benign based on ACMG/AMP sequence variant interpretation guidelines (Richards et al. 2015 PMID: 25741868, with internal and published modifications).

NM_001367561.1(DOCK7):c.1460A>G (p.Lys487Arg)

Gene: DOCK7 (dedicator of cytokinesis 7; minus strand). Cytogenetic location: 1p31.3.
Variant type: single nucleotide variant.
Coding change: c.1460A>G on transcript NM_001367561.1 (MANE Select); coding-DNA position 1460, A replaced by G.
Protein change: p.Lys487Arg; replaces lysine 487 with arginine.
Molecular consequence: missense variant.
Genome position (GRCh38, 1-based): chr1:62,619,959, T>C on the plus strand (A>G on the coding strand, the complement: DOCK7 is on the minus strand). VCF-style: chr1-62619959-T-C. GRCh37 (hg19) VCF-style: chr1-63085630-T-C.
Other names: c.1460A>G, p.Lys487Arg (NM_001271999.2, NM_001272000.2, NM_001272001.2 and 3 more transcripts); short protein forms K487R.
Identifiers: ClinVar variation 218580 (VCV000218580.22), dbSNP rs72913293, ClinGen allele CA248860.